The following is an entry in ClinVar:

NM_001042472.3(ABHD12):c.226C>G (p.Leu76Val)

Gene: ABHD12 (abhydrolase domain containing 12, lysophospholipase; minus strand). Cytogenetic location: 20p11.21.
Variant type: single nucleotide variant.
Coding change: c.226C>G on transcript NM_001042472.3 (MANE Select); coding-DNA position 226, C replaced by G.
Protein change: p.Leu76Val; replaces leucine 76 with valine.
Molecular consequence: missense variant.
Genome position (GRCh38, 1-based): chr20:25,339,317, G>C on the plus strand (C>G on the coding strand, the complement: ABHD12 is on the minus strand). VCF-style: chr20-25339317-G-C. GRCh37 (hg19) VCF-style: chr20-25319953-G-C.
Other names: c.226C>G, p.Leu76Val (NM_015600.5); c.226C>G (NM_001042472.2); short protein forms L76V.
Identifiers: ClinVar variation 1477004 (VCV001477004.9), dbSNP rs751917613, ClinGen allele CA9796213.

ClinVar aggregate classification (germline): Uncertain significance. Review status: criteria provided, multiple submitters, no conflicts (2 of 4 stars). 3 submissions from 3 submitters: Uncertain significance (3). Last evaluated 2025-08-06.

Conditions:
Inborn genetic diseases. Identifiers: MedGen C0950123, MeSH D030342.

Allele frequency attached by ClinVar (database versions not stated): gnomAD exomes below 0.00001; ExAC 0.00002.
gnomAD v4.1: 14 of 1,614,032 alleles (0.00087%); highest among the groups gnomAD compares: African/African-American, 0.017%; no homozygotes.

Submissions (3):

Ambry Genetics
Classification: Uncertain significance for Inborn genetic diseases. Last evaluated: 2025-08-06. Review status: criteria provided, single submitter. Criteria: Ambry Variant Classification Scheme 2023. Collection method: clinical testing. Allele origin: germline.

Labcorp Genetics (formerly Invitae), Labcorp
Classification: Uncertain significance. Last evaluated: 2022-08-22. Review status: criteria provided, single submitter. Criteria: Invitae Variant Classification Sherloc (09022015). Collection method: clinical testing. Allele origin: germline.
Comment: This variant is present in population databases (rs751917613, gnomAD 0.02%). This sequence change replaces leucine, which is neutral and non-polar, with valine, which is neutral and non-polar, at codon 76 of the ABHD12 protein (p.Leu76Val). This variant has not been reported in the literature in individuals affected with ABHD12-related conditions. ClinVar contains an entry for this variant (Variation ID: 1477004). Algorithms developed to predict the effect of missense changes on protein structure and function (SIFT, PolyPhen-2, Align-GVGD) all suggest that this variant is likely to be tolerated. In summary, the available evidence is currently insufficient to determine the role of this variant in disease. Therefore, it has been classified as a Variant of Uncertain Significance.

Blueprint Genetics
Classification: Uncertain significance. Last evaluated: 2019-11-11. Review status: criteria provided, single submitter. Criteria: ACMG Guidelines, 2015. Collection method: clinical testing. Allele origin: germline.